The following is an entry in ClinVar:

NM_015100.4(POGZ):c.1926+3A>C

Gene: POGZ (pogo transposable element derived with ZNF domain; minus strand). Cytogenetic location: 1q21.3.
Variant type: single nucleotide variant.
Coding change: c.1926+3A>C on transcript NM_015100.4 (MANE Select); 3 bases into the intron after coding-DNA position 1926, A replaced by C.
Molecular consequence: intron variant.
Genome position (GRCh38, 1-based): chr1:151,411,622, T>G on the plus strand (A>C on the coding strand, the complement: POGZ is on the minus strand). VCF-style: chr1-151411622-T-G. GRCh37 (hg19) VCF-style: chr1-151384098-T-G.
Other names: c.1740+3A>C (NM_001194938.2); c.1641+3A>C (NM_145796.4); c.1899+3A>C (NM_001194937.2); c.1947+3A>C (NM_001410860.1); c.1767+3A>C (NM_207171.2).
Identifiers: ClinVar variation 2575743 (VCV002575743.1), dbSNP rs2529274546, ClinGen allele CA2580612558.

ClinVar aggregate classification (germline): Uncertain significance (1 of 4 stars; one submission).

Submission:

GeneDx
Classification: Uncertain significance. Last evaluated: 2023-02-12. Review status: criteria provided, single submitter. Criteria: GeneDx Variant Classification Process June 2021. Collection method: clinical testing. Allele origin: germline. Affected: yes.
Comment: Not observed at significant frequency in large population cohorts (gnomAD); In silico analysis supports a deleterious effect on splicing; Has not been previously published as pathogenic or benign to our knowledge